The following is an entry in ClinVar:

ClinVar aggregate classification (germline): Uncertain significance. Review status: criteria provided, multiple submitters, no conflicts (2 of 4 stars). 2 submissions from 2 submitters: Uncertain significance (2). Last evaluated 2025-09-17.

Conditions:
Hereditary cancer-predisposing syndrome. Also called: Neoplastic Syndromes, Hereditary; Hereditary neoplastic syndrome; Tumor predisposition; Hereditary Cancer Syndrome. Identifiers: Orphanet 140162, MedGen C0027672, MeSH D009386, MONDO:0015356.
Ataxia-telangiectasia syndrome (AT). Also called: Ataxia telangiectasia (A-T); Cerebello-oculocutaneous telangiectasia; Immunodeficiency with ataxia telangiectasia; LOUIS-BAR SYNDROME; AT, COMPLEMENTATION GROUP C; ATAXIA-TELANGIECTASIA, FRESNO VARIANT. Identifiers: Orphanet 100, MedGen C0004135, MONDO:0008840, OMIM 208900.

Submissions (2):

Ambry Genetics
Classification: Uncertain significance for Hereditary cancer-predisposing syndrome. Last evaluated: 2025-09-17. Review status: criteria provided, single submitter. Criteria: Ambry Variant Classification Scheme 2023. Collection method: clinical testing. Allele origin: germline.
Comment: The p.F2462L variant (also known as c.7384T>C), located in coding exon 49 of the ATM gene, results from a T to C substitution at nucleotide position 7384. The phenylalanine at codon 2462 is replaced by leucine, an amino acid with highly similar properties. This amino acid position is highly conserved in available vertebrate species. In addition, this alteration is predicted to be deleterious by in silico analysis. Based on the available evidence, the clinical significance of this variant remains unclear.

Labcorp Genetics (formerly Invitae), Labcorp
Classification: Uncertain significance for Ataxia-telangiectasia syndrome. Last evaluated: 2024-05-20. Review status: criteria provided, single submitter. Criteria: Invitae Variant Classification Sherloc (09022015). Collection method: clinical testing. Allele origin: germline.
Comment: This sequence change replaces phenylalanine, which is neutral and non-polar, with leucine, which is neutral and non-polar, at codon 2462 of the ATM protein (p.Phe2462Leu). This variant is not present in population databases (gnomAD no frequency). This variant has not been reported in the literature in individuals affected with ATM-related conditions. ClinVar contains an entry for this variant (Variation ID: 236771). An algorithm developed to predict the effect of missense changes on protein structure and function (PolyPhen-2) suggests that this variant is likely to be disruptive. In summary, the available evidence is currently insufficient to determine the role of this variant in disease. Therefore, it has been classified as a Variant of Uncertain Significance.

NM_000051.4(ATM):c.7384T>C (p.Phe2462Leu)

Genes: ATM (ATM serine/threonine kinase; plus strand), C11orf65 (chromosome 11 open reading frame 65; minus strand). Cytogenetic location: 11q22.3.
Variant type: single nucleotide variant.
Coding change: c.7384T>C on transcript NM_000051.4 (MANE Select); coding-DNA position 7384, T replaced by C.
Protein change: p.Phe2462Leu; replaces phenylalanine 2462 with leucine.
Molecular consequence: missense variant. On other transcripts: intron variant (2).
Genome position (GRCh38, 1-based): chr11:108,330,290, T>C. VCF-style: chr11-108330290-T-C. GRCh37 (hg19) VCF-style: chr11-108201017-T-C.
Other names: c.7384T>C, p.Phe2462Leu (NM_001351834.2); c.641-21219A>G (NM_001330368.2); c.*38+4930A>G (NM_001351110.2); short protein forms F2462L.
Identifiers: ClinVar variation 236771 (VCV000236771.13), dbSNP rs878853543, ClinGen allele CA10582851.